The following is an entry in ClinVar:

NM_000360.4(TH):c.284C>A (p.Ala95Glu)

Gene: TH (tyrosine hydroxylase; minus strand). Cytogenetic location: 11p15.5.
Variant type: single nucleotide variant.
Coding change: c.284C>A on transcript NM_000360.4 (MANE Select); coding-DNA position 284, C replaced by A.
Protein change: p.Ala95Glu; replaces alanine 95 with glutamic acid.
Molecular consequence: missense variant.
Genome position (GRCh38, 1-based): chr11:2,169,678, G>T on the plus strand (C>A on the coding strand, the complement: TH is on the minus strand). VCF-style: chr11-2169678-G-T. GRCh37 (hg19) VCF-style: chr11-2190908-G-T.
Other names: c.377C>A (NM_199292.2); c.377C>A, p.Ala126Glu (NM_199292.3); c.365C>A, p.Ala122Glu (NM_199293.3); short protein forms A126E, A95E, A122E.
Identifiers: ClinVar variation 1368811 (VCV001368811.5), dbSNP rs769126179, ClinGen allele CA5818740.
Genomic context (GRCh38, chr11:2,169,678, plus strand): 5'-TTGCCCCAGGGACACGAAGGCCACCAGCTCACCTCAAACACCTTCACAGCTCGGGACAGC[G>T]CCGAGGGCTTGGTGGCCCTCGGGGAGAAGAGCAGGTTTAGCACGGCCTTCCCCTCCTTCT-3'
Protein context (NP_000351.2, residues 85-105): LFSPRATKPS[Ala95Glu]LSRAVKVFET

ClinVar aggregate classification (germline): Uncertain significance. Review status: criteria provided, multiple submitters, no conflicts (2 of 4 stars). 2 submissions from 2 submitters: Uncertain significance (2). Last evaluated 2025-06-18.

Conditions:
Inborn genetic diseases. Identifiers: MedGen C0950123, MeSH D030342.
TH-deficient dopa-responsive dystonia. Also called: Tyrosine Hydroxylase-Deficient Dopa-Responsive Dystonia; Segawa syndrome, autosomal recessive; DYT-TH. Identifiers: Orphanet 101150, MedGen C2673535, MONDO:0011551, OMIM 605407.

gnomAD v4.1: 2 of 1,613,334 alleles (0.00012%); highest among the groups gnomAD compares: African/African-American, 0.0013%; no homozygotes.

Submissions (2):

Ambry Genetics
Classification: Uncertain significance for Inborn genetic diseases. Last evaluated: 2025-06-18. Review status: criteria provided, single submitter. Criteria: Ambry Variant Classification Scheme 2023. Collection method: clinical testing. Allele origin: germline.

Labcorp Genetics (formerly Invitae), Labcorp
Classification: Uncertain significance for TH-deficient dopa-responsive dystonia. Last evaluated: 2022-08-31. Review status: criteria provided, single submitter. Criteria: Invitae Variant Classification Sherloc (09022015). Collection method: clinical testing. Allele origin: germline.
Comment: In summary, the available evidence is currently insufficient to determine the role of this variant in disease. Therefore, it has been classified as a Variant of Uncertain Significance. Advanced modeling of protein sequence and biophysical properties (such as structural, functional, and spatial information, amino acid conservation, physicochemical variation, residue mobility, and thermodynamic stability) performed at Invitae indicates that this missense variant is not expected to disrupt TH protein function. ClinVar contains an entry for this variant (Variation ID: 1368811). This variant has not been reported in the literature in individuals affected with TH-related conditions. This variant is present in population databases (rs769126179, gnomAD 0.0009%). This sequence change replaces alanine, which is neutral and non-polar, with glutamic acid, which is acidic and polar, at codon 126 of the TH protein (p.Ala126Glu).